The following is an entry in ClinVar:

ClinVar aggregate classification (germline): Uncertain significance. Review status: criteria provided, multiple submitters, no conflicts (2 of 4 stars). 2 submissions from 2 submitters: Uncertain significance (2). Last evaluated 2026-01-19.

Conditions:
Familial hemophagocytic lymphohistiocytosis 5. Also called: STXBP2-Related Familial Hemophagocytic Lymphohistiocytosis (STXBP2-fHLH). Identifiers: Orphanet 540, MedGen C2751293, MONDO:0013135, OMIM 613101.
Inborn genetic diseases. Identifiers: MedGen C0950123, MeSH D030342.

Allele frequency attached by ClinVar (database versions not stated): gnomAD exomes 0.00002; TOPMed 0.00002; gnomAD 0.00001.
gnomAD v4.1: 27 of 1,561,814 alleles (0.0017%); highest among the groups gnomAD compares: Non-Finnish European, 0.0023%; no homozygotes.

Submissions (2):

Labcorp Genetics (formerly Invitae), Labcorp
Classification: Uncertain significance for Familial hemophagocytic lymphohistiocytosis 5. Last evaluated: 2026-01-19. Review status: criteria provided, single submitter. Criteria: Invitae Variant Classification Sherloc (09022015). Collection method: clinical testing. Allele origin: germline.
Comment: This sequence change replaces serine, which is neutral and polar, with asparagine, which is neutral and polar, at codon 418 of the STXBP2 protein (p.Ser418Asn). The frequency data for this variant in the population databases is considered unreliable, as metrics indicate poor data quality at this position in the gnomAD database. This variant has not been reported in the literature in individuals affected with STXBP2-related conditions. ClinVar contains an entry for this variant (Variation ID: 1422874). Invitae Evidence Modeling of protein sequence and biophysical properties (such as structural, functional, and spatial information, amino acid conservation, physicochemical variation, residue mobility, and thermodynamic stability) indicates that this missense variant is not expected to disrupt STXBP2 protein function with a negative predictive value of 95%. In summary, the available evidence is currently insufficient to determine the role of this variant in disease. Therefore, it has been classified as a Variant of Uncertain Significance.

Ambry Genetics
Classification: Uncertain significance for Inborn genetic diseases. Last evaluated: 2023-05-23. Review status: criteria provided, single submitter. Criteria: Ambry Variant Classification Scheme 2023. Collection method: clinical testing. Allele origin: germline.

NM_006949.4(STXBP2):c.1253G>A (p.Ser418Asn)

Gene: STXBP2 (syntaxin binding protein 2; plus strand). Cytogenetic location: 19p13.2.
Variant type: single nucleotide variant.
Coding change: c.1253G>A on transcript NM_006949.4 (MANE Select); coding-DNA position 1253, G replaced by A.
Protein change: p.Ser418Asn; replaces serine 418 with asparagine.
Molecular consequence: missense variant. On other transcripts: non-coding transcript variant (1).
Genome position (GRCh38, 1-based): chr19:7,645,203, G>A. VCF-style: chr19-7645203-G-A. GRCh37 (hg19) VCF-style: chr19-7710089-G-A.
Other names: c.1253G>A (NM_006949.2); c.1244G>A, p.Ser415Asn (NM_001127396.3); c.1286G>A, p.Ser429Asn (NM_001272034.2); short protein forms S415N, S429N, S418N.
Identifiers: ClinVar variation 1422874 (VCV001422874.6), dbSNP rs991821954, ClinGen allele CA304910606.